The following is an entry in ClinVar:

NM_007317.3(KIF22):c.1719G>C (p.Glu573Asp)

Gene: KIF22 (kinesin family member 22; plus strand). Cytogenetic location: 16p11.2.
Variant type: single nucleotide variant.
Coding change: c.1719G>C on transcript NM_007317.3 (MANE Select); coding-DNA position 1719, G replaced by C.
Protein change: p.Glu573Asp; replaces glutamic acid 573 with aspartic acid.
Molecular consequence: missense variant.
Genome position (GRCh38, 1-based): chr16:29,804,855, G>C. VCF-style: chr16-29804855-G-C. GRCh37 (hg19) VCF-style: chr16-29816176-G-C.
Other names: c.1515G>C, p.Glu505Asp (NM_001256269.2, NM_001256270.1); short protein forms E573D, E505D.
Identifiers: ClinVar variation 2870619 (VCV002870619.3), dbSNP rs766682673, ClinGen allele CA395462257.

ClinVar aggregate classification (germline): Uncertain significance (1 of 4 stars; one submission).

gnomAD v4.1: 1 of 1,613,520 alleles (0.000062%); highest among the groups gnomAD compares: Non-Finnish European, 0.000085%; no homozygotes.

Submission:

Labcorp Genetics (formerly Invitae), Labcorp
Classification: Uncertain significance. Last evaluated: 2023-12-30. Review status: criteria provided, single submitter. Criteria: Invitae Variant Classification Sherloc (09022015). Collection method: clinical testing. Allele origin: germline.
Comment: This sequence change replaces glutamic acid, which is acidic and polar, with aspartic acid, which is acidic and polar, at codon 573 of the KIF22 protein (p.Glu573Asp). This variant is not present in population databases (gnomAD no frequency). This variant has not been reported in the literature in individuals affected with KIF22-related conditions. An algorithm developed to predict the effect of missense changes on protein structure and function (PolyPhen-2) suggests that this variant is likely to be tolerated. In summary, the available evidence is currently insufficient to determine the role of this variant in disease. Therefore, it has been classified as a Variant of Uncertain Significance.